The following is an entry in ClinVar:

NM_000069.3(CACNA1S):c.3763A>G (p.Thr1255Ala)

Gene: CACNA1S (calcium voltage-gated channel subunit alpha1 S; minus strand). Cytogenetic location: 1q32.1.
Variant type: single nucleotide variant.
Coding change: c.3763A>G on transcript NM_000069.3 (MANE Select); coding-DNA position 3763, A replaced by G.
Protein change: p.Thr1255Ala; replaces threonine 1255 with alanine.
Molecular consequence: missense variant.
Genome position (GRCh38, 1-based): chr1:201,053,491, T>C on the plus strand (A>G on the coding strand, the complement: CACNA1S is on the minus strand). VCF-style: chr1-201053491-T-C. GRCh37 (hg19) VCF-style: chr1-201022619-T-C.
Other names: short protein forms T1255A.
Identifiers: ClinVar variation 841375 (VCV000841375.11), dbSNP rs1660729628, ClinGen allele CA344154384.

ClinVar aggregate classification (germline): Uncertain significance. Review status: criteria provided, multiple submitters, no conflicts (2 of 4 stars). 3 submissions from 3 submitters: Uncertain significance (3). Last evaluated 2026-07-02.

Conditions:
Hypokalemic periodic paralysis, type 1. Also called: HypoPP; Hypokalemic Periodic Paralysis Type 1 (AD). Identifiers: Orphanet 681, MedGen C3714580, MONDO:0042979, OMIM 170400.
Malignant hyperthermia, susceptibility to, 5 (MHS5). Also called: CACNA1S-Related Malignant Hyperthermia Susceptibility. Identifiers: Orphanet 423, MedGen C1866077, MONDO:0011163, OMIM 601887.
Inborn genetic diseases. Identifiers: MedGen C0950123, MeSH D030342.

Allele frequency attached by ClinVar (database versions not stated): gnomAD exomes 0.00005.
gnomAD v4.1: 72 of 1,614,002 alleles (0.0045%); highest among the groups gnomAD compares: Non-Finnish European, 0.006%; 1 homozygote.

Submissions (3):

Ambry Genetics
Classification: Uncertain significance for Inborn genetic diseases. Last evaluated: 2026-07-02. Review status: criteria provided, single submitter. Criteria: Ambry Variant Classification Scheme 2023. Collection method: clinical testing. Allele origin: germline.
Comment: The p.T1255A variant (also known as c.3763A>G), located in coding exon 30 of the CACNA1S gene, results from an A to G substitution at nucleotide position 3763. The threonine at codon 1255 is replaced by alanine, an amino acid with similar properties. This amino acid position is conserved. In addition, the in silico prediction for this alteration is inconclusive. Based on the available evidence, the clinical significance of this variant remains unclear.

Labcorp Genetics (formerly Invitae), Labcorp
Classification: Uncertain significance for Hypokalemic periodic paralysis, type 1; Malignant hyperthermia, susceptibility to, 5. Last evaluated: 2022-07-19. Review status: criteria provided, single submitter. Criteria: Invitae Variant Classification Sherloc (09022015). Collection method: clinical testing. Allele origin: germline.
Comment: In summary, the available evidence is currently insufficient to determine the role of this variant in disease. Therefore, it has been classified as a Variant of Uncertain Significance. Algorithms developed to predict the effect of missense changes on protein structure and function are either unavailable or do not agree on the potential impact of this missense change (SIFT: "Deleterious"; PolyPhen-2: "Possibly Damaging"; Align-GVGD: "Class C0"). ClinVar contains an entry for this variant (Variation ID: 841375). This variant has not been reported in the literature in individuals affected with CACNA1S-related conditions. This variant is not present in population databases (gnomAD no frequency). This sequence change replaces threonine, which is neutral and polar, with alanine, which is neutral and non-polar, at codon 1255 of the CACNA1S protein (p.Thr1255Ala).

Blueprint Genetics
Classification: Uncertain significance. Last evaluated: 2019-04-17. Review status: criteria provided, single submitter. Criteria: ACMG Guidelines, 2015. Collection method: clinical testing. Allele origin: germline.